The following is an entry in ClinVar:

NM_007294.4(BRCA1):c.1129A>G (p.Ser377Gly)

Gene: BRCA1 (BRCA1 DNA repair associated; minus strand). Cytogenetic location: 17q21.31.
Variant type: single nucleotide variant.
Coding change: c.1129A>G on transcript NM_007294.4 (MANE Select); coding-DNA position 1129, A replaced by G.
Protein change: p.Ser377Gly; replaces serine 377 with glycine.
Molecular consequence: missense variant. On other transcripts: intron variant (137).
Genome position (GRCh38, 1-based): chr17:43,094,402, T>C on the plus strand (A>G on the coding strand, the complement: BRCA1 is on the minus strand). VCF-style: chr17-43094402-T-C. GRCh37 (hg19) VCF-style: chr17-41246419-T-C.
Other names: c.1126A>G, p.Ser376Gly (NM_001407614.1, NM_001407615.1, NM_001407627.1 and 22 more transcripts); c.1129A>G, p.Ser377Gly (NM_001407616.1, NM_001407617.1, NM_001407618.1 and 30 more transcripts); c.1120A>G, p.Ser374Gly (NM_001407646.1, NM_001407647.1); c.1006A>G, p.Ser336Gly (NM_001407648.1, NM_001407664.1, NM_001407665.1 and 19 more transcripts); c.1003A>G, p.Ser335Gly (NM_001407649.1, NM_001407670.1, NM_001407671.1 and 11 more transcripts); c.1051A>G, p.Ser351Gly (NM_001407653.1, NM_001407654.1, NM_001407655.1 and 4 more transcripts); c.1048A>G, p.Ser350Gly (NM_001407659.1, NM_001407660.1, NM_001407661.1 and 1 more transcripts); c.988A>G, p.Ser330Gly (NM_001407692.1, NM_001407694.1, NM_001407695.1 and 29 more transcripts); and 40 more; short protein forms S377G, S330G, S266G, S310G, S336G, S376G, S265G, S288G.
Identifiers: ClinVar variation 481490 (VCV000481490.17), dbSNP rs1555592415, ClinGen allele CA10599799.
Genomic context (GRCh38, chr17:43,094,402, plus strand): 5'-CATCAGAACCTAACAGTTCATCACTTCTGGAAAACCACTCATTAACTTTCTGAATGCTGC[T>C]ATTTAGTGTTATCCAAGGAACATCTTCAGTATCTCTAGGATTCTCTGAGCATGGCAGTTT-3'
Protein context (NP_009225.1, residues 367-387): TEDVPWITLN[Ser377Gly]SIQKVNEWFS

ClinVar aggregate classification (germline): Conflicting classifications of pathogenicity. Review status: criteria provided, conflicting classifications (1 of 4 stars). 3 submissions from 3 submitters: Uncertain significance (2); Likely benign (1). Last evaluated 2023-03-23.

Conditions:
Hereditary cancer-predisposing syndrome. Also called: Hereditary Cancer Syndrome; Neoplastic Syndromes, Hereditary; Tumor predisposition; Hereditary neoplastic syndrome. Identifiers: Orphanet 140162, MedGen C0027672, MeSH D009386, MONDO:0015356.
Hereditary breast ovarian cancer syndrome. Also called: Hereditary breast and ovarian cancer syndrome; Hereditary breast and ovarian cancer; Hereditary breast and ovarian cancer syndrome (HBOC); Breast and ovarian cancer; Hereditary breast and/or ovarian cancer syndrome; BRCA1- and BRCA2-Associated Hereditary Breast and Ovarian Cancer. Identifiers: Orphanet 145, MedGen C0677776, MeSH D061325, MONDO:0003582. Disease mechanism: loss of function.

Submissions (3):

University of Washington Department of Laboratory Medicine, University of Washington
Classification: Likely benign for Hereditary cancer-predisposing syndrome. Last evaluated: 2023-03-23. Review status: criteria provided, single submitter. Criteria: Dines et al. (Genet Med. 2020). Collection method: curation. Allele origin: germline.
Comment: Missense variant in a coldspot region where missense variants are very unlikely to be pathogenic (PMID:31911673).

BRCA1 coldspot (exon 11 using historical exon numbering). Reclassification based on statistical prior probability

Labcorp Genetics (formerly Invitae), Labcorp
Classification: Uncertain significance for Hereditary breast ovarian cancer syndrome. Last evaluated: 2023-02-16. Review status: criteria provided, single submitter. Criteria: Invitae Variant Classification Sherloc (09022015). Collection method: clinical testing. Allele origin: germline.
Comment: ClinVar contains an entry for this variant (Variation ID: 481490). In summary, the available evidence is currently insufficient to determine the role of this variant in disease. Therefore, it has been classified as a Variant of Uncertain Significance. Advanced modeling of protein sequence and biophysical properties (such as structural, functional, and spatial information, amino acid conservation, physicochemical variation, residue mobility, and thermodynamic stability) performed at Invitae indicates that this missense variant is not expected to disrupt BRCA1 protein function. This variant has not been reported in the literature in individuals affected with BRCA1-related conditions. This variant is not present in population databases (gnomAD no frequency). This sequence change replaces serine, which is neutral and polar, with glycine, which is neutral and non-polar, at codon 377 of the BRCA1 protein (p.Ser377Gly).

Ambry Genetics
Classification: Uncertain significance for Hereditary cancer-predisposing syndrome. Last evaluated: 2017-08-28. Review status: criteria provided, single submitter. Criteria: Ambry Variant Classification Scheme 2023. Collection method: clinical testing. Allele origin: germline.
Comment: The p.S377G variant (also known as c.1129A>G), located in coding exon 9 of the BRCA1 gene, results from an A to G substitution at nucleotide position 1129. The serine at codon 377 is replaced by glycine, an amino acid with similar properties. This amino acid position is well conserved in available vertebrate species. In addition, this alteration is predicted to be deleterious by in silico analysis. Since supporting evidence is limited at this time, the clinical significance of this alteration remains unclear.